The following is an entry in ClinVar:

NM_020778.5(ALPK3):c.2827G>A (p.Glu943Lys)

Gene: ALPK3 (alpha kinase 3; plus strand). Cytogenetic location: 15q25.3.
Variant type: single nucleotide variant.
Coding change: c.2827G>A on transcript NM_020778.5 (MANE Select); coding-DNA position 2827, G replaced by A.
Protein change: p.Glu943Lys; replaces glutamic acid 943 with lysine.
Molecular consequence: missense variant.
Genome position (GRCh38, 1-based): chr15:84,857,565, G>A. VCF-style: chr15-84857565-G-A. GRCh37 (hg19) VCF-style: chr15-85400796-G-A.
Other names: short protein forms E943K.
Identifiers: ClinVar variation 1720205 (VCV001720205.5), dbSNP rs2505720862, ClinGen allele CA393358515.

ClinVar aggregate classification (germline): Uncertain significance (1 of 4 stars; one submission).

Submission:

Labcorp Genetics (formerly Invitae), Labcorp
Classification: Uncertain significance. Last evaluated: 2023-11-27. Review status: criteria provided, single submitter. Criteria: Invitae Variant Classification Sherloc (09022015). Collection method: clinical testing. Allele origin: germline.
Comment: This sequence change replaces glutamic acid, which is acidic and polar, with lysine, which is basic and polar, at codon 1145 of the ALPK3 protein (p.Glu1145Lys). This variant is not present in population databases (gnomAD no frequency). This variant has not been reported in the literature in individuals affected with ALPK3-related conditions. ClinVar contains an entry for this variant (Variation ID: 1720205). Advanced modeling of protein sequence and biophysical properties (such as structural, functional, and spatial information, amino acid conservation, physicochemical variation, residue mobility, and thermodynamic stability) performed at Invitae indicates that this missense variant is expected to disrupt ALPK3 protein function with a positive predictive value of 80%. In summary, the available evidence is currently insufficient to determine the role of this variant in disease. Therefore, it has been classified as a Variant of Uncertain Significance.